The following is an entry in ClinVar:

ClinVar aggregate classification (germline): Uncertain significance (1 of 4 stars; one submission).

Conditions:
DROSHA-related disorder. Also called: DROSHA-related condition.

Submission:

PreventionGenetics, part of Exact Sciences
Classification: Uncertain significance for DROSHA-related condition. Last evaluated: 2025-01-07. Review status: criteria provided, single submitter. Criteria: ACMG Guidelines, 2015. Collection method: clinical testing. Allele origin: germline.
Comment: The DROSHA c.356C>T variant is predicted to result in the amino acid substitution p.Pro119Leu. To our knowledge, this variant has not been reported in the literature or in a large population database (gnomAD), indicating this variant is rare. At the time of reporting, this variant is absent in ClinVar. At this time, the clinical significance of this variant is uncertain due to the absence of conclusive functional and genetic evidence.

NM_001382508.1(DROSHA):c.356C>T (p.Pro119Leu)

Gene: DROSHA (drosha ribonuclease III; minus strand). Cytogenetic location: 5p13.3.
Variant type: single nucleotide variant.
Coding change: c.356C>T on transcript NM_001382508.1 (MANE Select); coding-DNA position 356, C replaced by T.
Protein change: p.Pro119Leu; replaces proline 119 with leucine.
Molecular consequence: missense variant.
Genome position (GRCh38, 1-based): chr5:31,526,577, G>A on the plus strand (C>T on the coding strand, the complement: DROSHA is on the minus strand). VCF-style: chr5-31526577-G-A. GRCh37 (hg19) VCF-style: chr5-31526684-G-A.
Other names: c.356C>T, p.Pro119Leu (NM_001100412.2, NM_013235.5); short protein forms P119L.
Identifiers: ClinVar variation 4999749 (VCV004999749.1).